The following is an entry in ClinVar:

NM_004725.4(BUB3):c.208G>A (p.Ala70Thr)

Gene: BUB3 (BUB3 mitotic checkpoint protein; plus strand). Cytogenetic location: 10q26.13.
Variant type: single nucleotide variant.
Coding change: c.208G>A on transcript NM_004725.4 (MANE Select); coding-DNA position 208, G replaced by A.
Protein change: p.Ala70Thr; replaces alanine 70 with threonine.
Molecular consequence: missense variant.
Genome position (GRCh38, 1-based): chr10:123,155,670, G>A. VCF-style: chr10-123155670-G-A. GRCh37 (hg19) VCF-style: chr10-124915186-G-A.
Other names: c.208G>A, p.Ala70Thr (NM_001007793.3); short protein forms A70T.
Identifiers: ClinVar variation 1785712 (VCV001785712.2), dbSNP rs1589688000, ClinGen allele CA378625178.

ClinVar aggregate classification (germline): Uncertain significance (1 of 4 stars; one submission).

Allele frequency attached by ClinVar (database versions not stated): gnomAD exomes below 0.00001; gnomAD 0.00001.
gnomAD v4.1: 3 of 1,613,936 alleles (0.00019%); highest among the groups gnomAD compares: South Asian, 0.0033%; no homozygotes.

Submission:

Ambry Genetics
Classification: Uncertain significance. Last evaluated: 2022-06-21. Review status: criteria provided, single submitter. Criteria: Ambry Variant Classification Scheme 2023. Collection method: clinical testing. Allele origin: germline.
Comment: The p.A70T variant (also known as c.208G>A), located in coding exon 2 of the BUB3 gene, results from a G to A substitution at nucleotide position 208. The alanine at codon 70 is replaced by threonine, an amino acid with similar properties. This amino acid position is conserved. In addition, this alteration is predicted to be tolerated by in silico analysis. Since supporting evidence is limited at this time, the clinical significance of this alteration remains unclear.